The following is an entry in ClinVar:

NM_021870.3(FGG):c.922G>A (p.Ala308Thr)

Gene: FGG (fibrinogen gamma chain; minus strand). Cytogenetic location: 4q32.1.
Variant type: single nucleotide variant.
Coding change: c.922G>A on transcript NM_021870.3 (MANE Select); coding-DNA position 922, G replaced by A.
Protein change: p.Ala308Thr; replaces alanine 308 with threonine.
Molecular consequence: missense variant.
Genome position (GRCh38, 1-based): chr4:154,606,912, C>T on the plus strand (G>A on the coding strand, the complement: FGG is on the minus strand). VCF-style: chr4-154606912-C-T. GRCh37 (hg19) VCF-style: chr4-155528064-C-T.
Other names: c.922G>A, p.Ala308Thr (NM_000509.6); short protein forms A308T.
Identifiers: ClinVar variation 2721577 (VCV002721577.4), dbSNP rs139133145, ClinGen allele CA3115510.

ClinVar aggregate classification (germline): Uncertain significance. Review status: criteria provided, multiple submitters, no conflicts (2 of 4 stars). 2 submissions from 2 submitters: Uncertain significance (2). Last evaluated 2025-03-31.

Allele frequency attached by ClinVar (database versions not stated): TOPMed 0.00014; ExAC 0.00007; gnomAD exomes 0.00009; gnomAD 0.00005; ESP Exome Variant Server 0.00023.
gnomAD v4.1: 143 of 1,613,710 alleles (0.0089%); highest among the groups gnomAD compares: African/African-American, 0.025%; no homozygotes.

Submissions (2):

Labcorp Genetics (formerly Invitae), Labcorp
Classification: Uncertain significance. Last evaluated: 2025-03-31. Review status: criteria provided, single submitter. Criteria: Invitae Variant Classification Sherloc (09022015). Collection method: clinical testing. Allele origin: germline.
Comment: This sequence change replaces alanine, which is neutral and non-polar, with threonine, which is neutral and polar, at codon 308 of the FGG protein (p.Ala308Thr). This variant is present in population databases (rs139133145, gnomAD 0.03%). This variant has not been reported in the literature in individuals affected with FGG-related conditions. ClinVar contains an entry for this variant (Variation ID: 2721577). Invitae Evidence Modeling of protein sequence and biophysical properties (such as structural, functional, and spatial information, amino acid conservation, physicochemical variation, residue mobility, and thermodynamic stability) indicates that this missense variant is not expected to disrupt FGG protein function with a negative predictive value of 80%. In summary, the available evidence is currently insufficient to determine the role of this variant in disease. Therefore, it has been classified as a Variant of Uncertain Significance.

Women's Health and Genetics/Laboratory Corporation of America, LabCorp
Classification: Uncertain significance. Last evaluated: 2024-01-26. Review status: criteria provided, single submitter. Criteria: LabCorp Variant Classification Summary - May 2015. Collection method: clinical testing. Allele origin: germline.
Comment: Variant summary: FGG c.922G>A (p.Ala308Thr) results in a non-conservative amino acid change located in the Fibrinogen, alpha/beta/gamma chain, C-terminal globular domain (IPR002181) of the encoded protein sequence. Four of five in-silico tools predict a benign effect of the variant on protein function. The variant allele was found at a frequency of 5.6e-05 in 250850 control chromosomes, predominantly at a frequency of 0.00037 within the African or African-American subpopulation in the gnomAD database. The available data on variant occurrences in the general population are insufficient to allow any conclusion about variant significance. To our knowledge, no occurrence of c.922G>A in individuals affected with Congenital Dysfibrinogenemia and no experimental evidence demonstrating its impact on protein function have been reported. No submitters have cited clinical-significance assessments for this variant to ClinVar. Based on the evidence outlined above, the variant was classified as uncertain significance.